The following is an entry in ClinVar:

NM_001379500.1(COL18A1):c.3088-184G>A

Genes: COL18A1 (collagen type XVIII alpha 1 chain; plus strand), SLC19A1 (solute carrier family 19 member 1; minus strand). Cytogenetic location: 21q22.3.
Variant type: single nucleotide variant.
Coding change: c.3088-184G>A on transcript NM_001379500.1 (MANE Select); 184 bases into the intron before coding-DNA position 3088, G replaced by A.
Molecular consequence: intron variant.
Genome position (GRCh38, 1-based): chr21:45,505,654, G>A. VCF-style: chr21-45505654-G-A. GRCh37 (hg19) VCF-style: chr21-46925568-G-A.
Other names: c.4333-184G>A (NM_130444.3); c.3628-184G>A (NM_030582.4).
Identifiers: ClinVar variation 4875313 (VCV004875313.2).
Genomic context (GRCh38, chr21:45,505,654, plus strand): 5'-AGGTGGACCCAGGAGGACGACCACCAGCCGGGAAGTGCCCAGGGCCTGTACATTGTCCAC[G>A]GAGGCGCAGGAGCTGGCGGCAGGCAGGGGTCCCCATGGTGCTCATGGGGGCAGCCGCCTC-3'

ClinVar aggregate classification (germline): Likely benign (1 of 4 stars; one submission).

gnomAD v4.1: 16 of 152,278 alleles (0.011%); highest among the groups gnomAD compares: Admixed American, 0.059%; no homozygotes.

Submission:

CeGaT Center for Human Genetics Tuebingen
Classification: Likely benign. Last evaluated: 2026-06-01. Review status: criteria provided, single submitter. Criteria: CeGaT Center For Human Genetics Tuebingen Variant Classification Criteria Version 2. Collection method: clinical testing. Allele origin: germline. Affected: yes. Observed: 1 variant allele.
Comment: COL18A1: BP4, BP7